The following is an entry in ClinVar:

NM_001918.5(DBT):c.296G>A (p.Cys99Tyr)

Gene: DBT (dihydrolipoamide branched chain transacylase E2; minus strand). Cytogenetic location: 1p21.2.
Variant type: single nucleotide variant.
Coding change: c.296G>A on transcript NM_001918.5 (MANE Select); coding-DNA position 296, G replaced by A.
Protein change: p.Cys99Tyr; replaces cysteine 99 with tyrosine.
Molecular consequence: missense variant.
Genome position (GRCh38, 1-based): chr1:100,230,870, C>T on the plus strand (G>A on the coding strand, the complement: DBT is on the minus strand). VCF-style: chr1-100230870-C-T. GRCh37 (hg19) VCF-style: chr1-100696426-C-T.
Other names: short protein forms C99Y.
Identifiers: ClinVar variation 1499473 (VCV001499473.6), dbSNP rs1557956678, ClinGen allele CA341344389.
Genomic context (GRCh38, chr1:100,230,870, plus strand): 5'-TTAATGACTCCATCATAACGACTAGTGATGGTAACAGAAGCTTTATCACTTTGAACTTCA[C>T]AGATGCTATCAAACTGAGACACTGTATCTCCTTCTTTTACATACCTAAAAGAAAAAGAAA-3'
Protein context (NP_001909.4, residues 89-109): GDTVSQFDSI[Cys99Tyr]EVQSDKASVT

ClinVar aggregate classification (germline): Likely pathogenic (1 of 4 stars; one submission).

Conditions:
Maple syrup urine disease (MSUD). Identifiers: Orphanet 511, MedGen C0024776, MeSH D008375, MONDO:0009563. Disease mechanism: loss of function.

Submission:

Labcorp Genetics (formerly Invitae), Labcorp
Classification: Likely pathogenic for Maple syrup urine disease. Last evaluated: 2024-03-11. Review status: criteria provided, single submitter. Criteria: Invitae Variant Classification Sherloc (09022015). Collection method: clinical testing. Allele origin: germline.
Comment: This sequence change replaces cysteine, which is neutral and slightly polar, with tyrosine, which is neutral and polar, at codon 99 of the DBT protein (p.Cys99Tyr). This variant is not present in population databases (gnomAD no frequency). This missense change has been observed in individual(s) with maple syrup urine disease (Invitae). ClinVar contains an entry for this variant (Variation ID: 1499473). Advanced modeling of protein sequence and biophysical properties (such as structural, functional, and spatial information, amino acid conservation, physicochemical variation, residue mobility, and thermodynamic stability) performed at Invitae indicates that this missense variant is expected to disrupt DBT protein function with a positive predictive value of 95%. In summary, the currently available evidence indicates that the variant is pathogenic, but additional data are needed to prove that conclusively. Therefore, this variant has been classified as Likely Pathogenic.